The following is an entry in ClinVar:

ClinVar aggregate classification (germline): Likely benign (1 of 4 stars; one submission).

Submission:

CeGaT Center for Human Genetics Tuebingen
Classification: Likely benign. Last evaluated: 2024-07-01. Review status: criteria provided, single submitter. Criteria: CeGaT Center For Human Genetics Tuebingen Variant Classification Criteria Version 2. Collection method: clinical testing. Allele origin: germline. Affected: yes. Observed: 1 variant allele.
Comment: TET2: PM2:Supporting, BP4, BP7

NM_001127208.3(TET2):c.474T>C (p.Asn158=)

Genes: TET2 (tet methylcytosine dioxygenase 2; plus strand), TET2-AS1 (TET2 antisense RNA 1; minus strand). Cytogenetic location: 4q24.
Variant type: single nucleotide variant.
Coding change: c.474T>C on transcript NM_001127208.3 (MANE Select); coding-DNA position 474, T replaced by C.
Protein change: p.Asn158=; no amino-acid change (asparagine 158 retained).
Molecular consequence: synonymous variant.
Genome position (GRCh38, 1-based): chr4:105,234,416, T>C. VCF-style: chr4-105234416-T-C. GRCh37 (hg19) VCF-style: chr4-106155573-T-C.
Other names: c.474T>C, p.Asn158= (NM_017628.4).
Identifiers: ClinVar variation 3257411 (VCV003257411.17).